The following is an entry in ClinVar:

ClinVar aggregate classification (germline): Uncertain significance (1 of 4 stars; one submission).

Conditions:
Hyperkalemic periodic paralysis. Also called: Familial hyperkalemic periodic paralysis; Gamstorp disease. Identifiers: Orphanet 682, MedGen C0238357, MONDO:0008224, OMIM 170500, HP:0007215.

Submission:

Labcorp Genetics (formerly Invitae), Labcorp
Classification: Uncertain significance for Hyperkalemic periodic paralysis. Last evaluated: 2025-10-26. Review status: criteria provided, single submitter. Criteria: Invitae Variant Classification Sherloc (09022015). Collection method: clinical testing. Allele origin: germline.
Comment: This variant, c.4750_4752del, results in the deletion of 1 amino acid(s) of the SCN4A protein (p.Ile1584del), but otherwise preserves the integrity of the reading frame. This variant is not present in population databases (gnomAD no frequency). This variant has not been reported in the literature in individuals affected with SCN4A-related conditions. Experimental studies and prediction algorithms are not available or were not evaluated, and the functional significance of this variant is currently unknown. In summary, the available evidence is currently insufficient to determine the role of this variant in disease. Therefore, it has been classified as a Variant of Uncertain Significance.

NM_000334.4(SCN4A):c.4744ATC[2] (p.Ile1584del)

Genes: SCN4A (sodium voltage-gated channel alpha subunit 4; minus strand), GH-LCR (growth hormone locus control region; plus strand). Cytogenetic location: 17q23.3.
Variant type: Microsatellite.
Coding change: c.4744ATC[2] on transcript NM_000334.4 (MANE Select); two copies in a row of the 3-base unit ATC starting at c.4744; the reference has three copies in a row; one copy, 3 bases deleted.
Protein change: p.Ile1584del; deletes isoleucine 1584.
Molecular consequence: inframe deletion.
Genome position (GRCh38, 1-based): chr17:63,941,530-63,941,532, GAT deleted on the plus strand (ATC on the coding strand, the reverse complement: SCN4A is on the minus strand); deleting any 3 consecutive bases within chr17:63,941,530-63,941,538 gives the same sequence; the position shown is the placement nearest the transcript's 3' end. VCF-style (leftmost placement, unchanged base first): chr17-63941529-AGAT-A. GRCh37 (hg19) VCF-style: chr17-62018889-AGAT-A.
Other names: short protein forms I1584del.
Identifiers: ClinVar variation 4729940 (VCV004729940.1).
Genomic context (GRCh38, chr17:63,941,529, plus strand): 5'-TGGCCACATTGAAGTTCTCCAGGATGATGGCGATGTACATGTTGACCACGATGAGGAAGG[AGAT>A]GATGATATAGCTGCAGAAGAAGCAGATGCCGATGGAGGGGTTGCCGCAGTCACCCTTGAC-3'